The following is an entry in ClinVar:

ClinVar aggregate classification (germline): Uncertain significance (1 of 4 stars; one submission).

gnomAD v4.1: 13 of 1,614,208 alleles (0.00081%); highest among the groups gnomAD compares: Admixed American, 0.0017%; no homozygotes.

Submission:

Labcorp Genetics (formerly Invitae), Labcorp
Classification: Uncertain significance. Last evaluated: 2025-04-10. Review status: criteria provided, single submitter. Criteria: Invitae Variant Classification Sherloc (09022015). Collection method: clinical testing. Allele origin: germline.
Comment: This sequence change replaces valine, which is neutral and non-polar, with methionine, which is neutral and non-polar, at codon 617 of the ALPK1 protein (p.Val617Met). This variant is not present in population databases (gnomAD no frequency). This variant has not been reported in the literature in individuals affected with ALPK1-related conditions. Invitae Evidence Modeling of protein sequence and biophysical properties (such as structural, functional, and spatial information, amino acid conservation, physicochemical variation, residue mobility, and thermodynamic stability) indicates that this missense variant is not expected to disrupt ALPK1 protein function with a negative predictive value of 80%. In summary, the available evidence is currently insufficient to determine the role of this variant in disease. Therefore, it has been classified as a Variant of Uncertain Significance.

NM_025144.4(ALPK1):c.1849G>A (p.Val617Met)

Gene: ALPK1 (alpha kinase 1; plus strand). Cytogenetic location: 4q25.
Variant type: single nucleotide variant.
Coding change: c.1849G>A on transcript NM_025144.4 (MANE Select); coding-DNA position 1849, G replaced by A.
Protein change: p.Val617Met; replaces valine 617 with methionine.
Molecular consequence: missense variant.
Genome position (GRCh38, 1-based): chr4:112,431,396, G>A. VCF-style: chr4-112431396-G-A. GRCh37 (hg19) VCF-style: chr4-113352552-G-A.
Other names: c.1849G>A, p.Val617Met (NM_001102406.2); c.1615G>A, p.Val539Met (NM_001253884.2); short protein forms V617M, V539M.
Identifiers: ClinVar variation 4774611 (VCV004774611.1).